The following is an entry in ClinVar:

ClinVar aggregate classification (germline): Uncertain significance (1 of 4 stars; one submission).

gnomAD v4.1: 59 of 1,613,386 alleles (0.0037%); highest among the groups gnomAD compares: Middle Eastern, 0.016%; no homozygotes.

Submission:

Labcorp Genetics (formerly Invitae), Labcorp
Classification: Uncertain significance. Last evaluated: 2022-03-23. Review status: criteria provided, single submitter. Criteria: Invitae Variant Classification Sherloc (09022015). Collection method: clinical testing. Allele origin: germline.
Comment: This variant has not been reported in the literature in individuals affected with CTSB-related conditions. This sequence change replaces aspartic acid, which is acidic and polar, with tyrosine, which is neutral and polar, at codon 333 of the CTSB protein (p.Asp333Tyr). This variant is present in population databases (rs149786664, gnomAD 0.009%). Algorithms developed to predict the effect of missense changes on protein structure and function are either unavailable or do not agree on the potential impact of this missense change (SIFT: "Not Available"; PolyPhen-2: "Benign"; Align-GVGD: "Not Available"). In summary, the available evidence is currently insufficient to determine the role of this variant in disease. Therefore, it has been classified as a Variant of Uncertain Significance.

NM_001908.5(CTSB):c.997G>T (p.Asp333Tyr)

Gene: CTSB (cathepsin B). Cytogenetic location: 8p23.1.
Variant type: single nucleotide variant.
Coding change: c.997G>T on transcript NM_001908.5 (MANE Select); coding-DNA position 997, G replaced by T.
Protein change: p.Asp333Tyr; replaces aspartic acid 333 with tyrosine.
Molecular consequence: missense variant.
Genome position (GRCh38, 1-based): chr8:11,845,148, C>A on the plus strand (G>T on the coding strand, the complement: CTSB is on the minus strand). VCF-style: chr8-11845148-C-A. GRCh37 (hg19) VCF-style: chr8-11702657-C-A.
Other names: c.625G>T, p.Asp209Tyr (NM_001317237.2); c.997G>T, p.Asp333Tyr (NM_001384714.1, NM_001384723.1, NM_001384724.1 and 8 more transcripts); short protein forms D209Y, D333Y.
Identifiers: ClinVar variation 1417576 (VCV001417576.9), dbSNP rs149786664, ClinGen allele CA4632325.